The following is an entry in ClinVar:

NM_001561.6(TNFRSF9):c.391_392delinsAT (p.Gly131Ile)

Gene: TNFRSF9 (TNF receptor superfamily member 9; minus strand). Cytogenetic location: 1p36.23.
Variant type: Indel.
Coding change: c.391_392delinsAT on transcript NM_001561.6 (MANE Select); coding-DNA positions 391 to 392, GG replaced by AT.
Protein change: p.Gly131Ile; replaces glycine 131 with isoleucine.
Molecular consequence: missense variant.
Genome position (GRCh38, 1-based): chr1:7,937,711-7,937,712, CC replaced by AT on the plus strand (GG replaced by AT on the coding strand, the reverse complement: TNFRSF9 is on the minus strand). VCF-style: chr1-7937711-CC-AT. GRCh37 (hg19) VCF-style: chr1-7997771-CC-AT.
Other names: short protein forms G131I.
Identifiers: ClinVar variation 2790765 (VCV002790765.3), dbSNP rs2527269623, ClinGen allele CA2739272242.

ClinVar aggregate classification (germline): Uncertain significance (1 of 4 stars; one submission).

Submission:

Labcorp Genetics (formerly Invitae), Labcorp
Classification: Uncertain significance. Last evaluated: 2022-12-30. Review status: criteria provided, single submitter. Criteria: Invitae Variant Classification Sherloc (09022015). Collection method: clinical testing. Allele origin: germline.
Comment: This sequence change replaces glycine, which is neutral and non-polar, with isoleucine, which is neutral and non-polar, at codon 131 of the TNFRSF9 protein (p.Gly131Ile). Information on the frequency of this variant in the gnomAD database is not available, as this variant may be reported differently in the database. This variant has not been reported in the literature in individuals affected with TNFRSF9-related conditions. Algorithms developed to predict the effect of missense changes on protein structure and function are either unavailable or do not agree on the potential impact of this missense change (SIFT: "Not Available"; PolyPhen-2: "Probably Damaging"; Align-GVGD: "Not Available"). In summary, the available evidence is currently insufficient to determine the role of this variant in disease. Therefore, it has been classified as a Variant of Uncertain Significance.